The following is an entry in ClinVar:

ClinVar aggregate classification (germline): Uncertain significance. Review status: criteria provided, multiple submitters, no conflicts (2 of 4 stars). 4 submissions from 4 submitters: Uncertain significance (4). Last evaluated 2025-07-22.

Conditions:
Hereditary cancer-predisposing syndrome. Also called: Neoplastic Syndromes, Hereditary; Tumor predisposition; Hereditary neoplastic syndrome; Hereditary Cancer Syndrome. Identifiers: Orphanet 140162, MedGen C0027672, MeSH D009386, MONDO:0015356.
Familial cancer of breast. Also called: BREAST CANCER, FAMILIAL; Hereditary breast cancer; hereditary breast carcinoma. Identifiers: Orphanet 227535, MedGen C0346153, MONDO:0016419, OMIM 114480. Disease mechanism: loss of function.

Submissions (4):

Labcorp Genetics (formerly Invitae), Labcorp
Classification: Uncertain significance for Familial cancer of breast. Last evaluated: 2025-07-22. Review status: criteria provided, single submitter. Criteria: Invitae Variant Classification Sherloc (09022015). Collection method: clinical testing. Allele origin: germline.
Comment: This sequence change replaces leucine, which is neutral and non-polar, with serine, which is neutral and polar, at codon 486 of the BARD1 protein (p.Leu486Ser). This variant is not present in population databases (gnomAD no frequency). This variant has not been reported in the literature in individuals affected with BARD1-related conditions. ClinVar contains an entry for this variant (Variation ID: 628208). An algorithm developed to predict the effect of missense changes on protein structure and function (PolyPhen-2) suggests that this variant is likely to be disruptive. In summary, the available evidence is currently insufficient to determine the role of this variant in disease. Therefore, it has been classified as a Variant of Uncertain Significance.

Color Diagnostics, LLC DBA Color Health
Classification: Uncertain significance for Hereditary cancer-predisposing syndrome. Last evaluated: 2023-12-05. Review status: criteria provided, single submitter. Criteria: ACMG Guidelines, 2015. Collection method: clinical testing. Allele origin: germline.
Comment: This missense variant replaces leucine with serine at codon 486 of the BARD1 protein. Computational prediction is inconclusive regarding the impact of this variant on protein structure and function (internally defined REVEL score threshold 0.5 < inconclusive < 0.7, PMID: 27666373). To our knowledge, functional studies have not been reported for this variant. This variant has not been reported in individuals affected with BARD1-related disorders in the literature. This variant has not been identified in the general population by the Genome Aggregation Database (gnomAD). The available evidence is insufficient to determine the role of this variant in disease conclusively. Therefore, this variant is classified as a Variant of Uncertain Significance.

Ambry Genetics
Classification: Uncertain significance for Hereditary cancer-predisposing syndrome. Last evaluated: 2022-09-13. Review status: criteria provided, single submitter. Criteria: Ambry Variant Classification Scheme 2023. Collection method: clinical testing. Allele origin: germline.
Comment: The p.L486S variant (also known as c.1457T>C), located in coding exon 6 of the BARD1 gene, results from a T to C substitution at nucleotide position 1457. The leucine at codon 486 is replaced by serine, an amino acid with dissimilar properties. This amino acid position is highly conserved in available vertebrate species. In addition, this alteration is predicted to be deleterious by in silico analysis. Since supporting evidence is limited at this time, the clinical significance of this alteration remains unclear.

Women's Health and Genetics/Laboratory Corporation of America, LabCorp
Classification: Uncertain significance. Last evaluated: 2022-06-23. Review status: criteria provided, single submitter. Criteria: LabCorp Variant Classification Summary - May 2015. Collection method: clinical testing. Allele origin: germline.

NM_000465.4(BARD1):c.1457T>C (p.Leu486Ser)

Gene: BARD1 (BRCA1 associated RING domain 1; minus strand). Cytogenetic location: 2q35.
Variant type: single nucleotide variant.
Coding change: c.1457T>C on transcript NM_000465.4 (MANE Select); coding-DNA position 1457, T replaced by C.
Protein change: p.Leu486Ser; replaces leucine 486 with serine.
Molecular consequence: missense variant. On other transcripts: non-coding transcript variant (3), intron variant (3).
Genome position (GRCh38, 1-based): chr2:214,767,593, A>G on the plus strand (T>C on the coding strand, the complement: BARD1 is on the minus strand). VCF-style: chr2-214767593-A-G. GRCh37 (hg19) VCF-style: chr2-215632317-A-G.
Other names: c.1400T>C, p.Leu467Ser (NM_001282543.2); c.159-15038T>C (NM_001282548.2); c.216-15038T>C (NM_001282545.2); c.364+24704T>C (NM_001282549.2); short protein forms L486S, L467S.
Identifiers: ClinVar variation 628208 (VCV000628208.20), dbSNP rs1559410003, ClinGen allele CA350448504.
Genomic context (GRCh38, chr2:214,767,593, plus strand): 5'-TGCCCATTCTTGGCTGCATCGTGAAGTGGTGAGTCATTTTGATACCCGGTGGTGTTCACC[A>G]ATGCCTTATGCTGGAGCAATAATTCCACTACCTTCAGGTGCCCATGATTGCAAGCTTCAT-3'
Protein context (NP_000456.2, residues 476-496): VVELLLQHKA[Leu486Ser]VNTTGYQNDS